The following is an entry in ClinVar:

ClinVar aggregate classification (germline): Uncertain significance (1 of 4 stars; one submission).

Conditions:
Neuropathy, hereditary sensory, type 2C. Also called: Hereditary sensory and autonomic neuropathy type IIC; KIF1A-Related HSAN2 (HSAN2C). Identifiers: Orphanet 970, MedGen C3280168, MONDO:0013634, OMIM 614213.
Intellectual disability, autosomal dominant 9 (NESCAVS). Also called: NESCAV SYNDROME; KIF1A-Related Neurodevelopmental Disorder. Identifiers: Orphanet 662367, MedGen C5393830, MONDO:0013656, OMIM 614255.
Hereditary spastic paraplegia 30. Identifiers: Orphanet 101010, MedGen C5235139, MONDO:0012476.

Submission:

Labcorp Genetics (formerly Invitae), Labcorp
Classification: Uncertain significance for Hereditary spastic paraplegia 30; Neuropathy, hereditary sensory, type 2C; Intellectual disability, autosomal dominant 9. Last evaluated: 2022-03-05. Review status: criteria provided, single submitter. Criteria: Invitae Variant Classification Sherloc (09022015). Collection method: clinical testing. Allele origin: germline.
Comment: This sequence change replaces glutamine, which is neutral and polar, with arginine, which is basic and polar, at codon 353 of the KIF1A protein (p.Gln353Arg). This variant is not present in population databases (gnomAD no frequency). This variant has not been reported in the literature in individuals affected with KIF1A-related conditions. Algorithms developed to predict the effect of missense changes on protein structure and function (SIFT, PolyPhen-2, Align-GVGD) all suggest that this variant is likely to be disruptive. In summary, the available evidence is currently insufficient to determine the role of this variant in disease. Therefore, it has been classified as a Variant of Uncertain Significance.

NM_001244008.2(KIF1A):c.1058A>G (p.Gln353Arg)

Gene: KIF1A (kinesin family member 1A; minus strand). Cytogenetic location: 2q37.3.
Variant type: single nucleotide variant.
Coding change: c.1058A>G on transcript NM_001244008.2 (MANE Select); coding-DNA position 1058, A replaced by G.
Protein change: p.Gln353Arg; replaces glutamine 353 with arginine.
Molecular consequence: missense variant.
Genome position (GRCh38, 1-based): chr2:240,773,236, T>C on the plus strand (A>G on the coding strand, the complement: KIF1A is on the minus strand). VCF-style: chr2-240773236-T-C. GRCh37 (hg19) VCF-style: chr2-241712653-T-C.
Other names: c.1058A>G, p.Gln353Arg (NM_001320705.2, NM_001330289.2, NM_001330290.2 and 21 more transcripts); short protein forms Q353R.
Identifiers: ClinVar variation 2107192 (VCV002107192.4), dbSNP rs2537929765, ClinGen allele CA351295851.
Genomic context (GRCh38, chr2:240,773,236, plus strand): 5'-TTCAGCTCGCGGATCAGCTTGTTGTTGGGGTCCTCATTGATGACAGCATTGCAGCGGATC[T>C]GCTTGGCCCGGTCAGCATACCTGGGTGGCAGAGGGGGCTGTGGGCTGTGCTCGGGACAGG-3'
Protein context (NP_001230937.1, residues 343-363): STLRYADRAK[Gln353Arg]IRCNAVINED